The following is an entry in ClinVar:

ClinVar aggregate classification (germline): Uncertain significance. Review status: criteria provided, multiple submitters, no conflicts (2 of 4 stars). 3 submissions from 3 submitters: Uncertain significance (2). 1 of the submissions does not count toward it. Last evaluated 2024-05-21.

Conditions:
Inborn genetic diseases. Identifiers: MedGen C0950123, MeSH D030342.
Sulfite oxidase deficiency. Also called: Isolated sulfite oxidase deficiency. Identifiers: Orphanet 833, Orphanet 99731, MedGen C0268624, MONDO:0010089, OMIM 272300, HP:0003643.

Allele frequency attached by ClinVar (database versions not stated): ExAC 0.00002; gnomAD exomes 0.00003 and 0.00005; gnomAD 0.00004 and 0.00005; TOPMed 0.00009.
gnomAD v4.1: 74 of 1,613,848 alleles (0.0046%); highest among the groups gnomAD compares: Non-Finnish European, 0.0057%; no homozygotes.

Submissions (3):

Ambry Genetics
Classification: Uncertain significance for Inborn genetic diseases. Last evaluated: 2024-05-21. Review status: criteria provided, single submitter. Criteria: Ambry Variant Classification Scheme 2023. Collection method: clinical testing. Allele origin: germline.

Labcorp Genetics (formerly Invitae), Labcorp
Classification: Uncertain significance for Sulfite oxidase deficiency. Last evaluated: 2022-06-29. Review status: criteria provided, single submitter. Criteria: Invitae Variant Classification Sherloc (09022015). Collection method: clinical testing. Allele origin: germline.
Comment: This sequence change replaces arginine, which is basic and polar, with tryptophan, which is neutral and slightly polar, at codon 338 of the SUOX protein (p.Arg338Trp). This variant is present in population databases (rs766441734, gnomAD 0.005%). This variant has not been reported in the literature in individuals affected with SUOX-related conditions. ClinVar contains an entry for this variant (Variation ID: 1043488). Algorithms developed to predict the effect of missense changes on protein structure and function are either unavailable or do not agree on the potential impact of this missense change (SIFT: "Deleterious"; PolyPhen-2: "Benign"; Align-GVGD: "Class C15"). In summary, the available evidence is currently insufficient to determine the role of this variant in disease. Therefore, it has been classified as a Variant of Uncertain Significance.

Department of Pathology and Laboratory Medicine, Sinai Health System
Classification: Uncertain significance. Review status: no assertion criteria provided. Collection method: clinical testing. Allele origin: unknown. Affected: yes. Study: The Canadian Open Genetics Repository (COGR). Not counted in ClinVar's aggregate classification.
Comment: The SUOX p.Arg338Trp variant was not identified in the literature nor was it identified in ClinVar. The variant was identified in dbSNP (ID: rs766441734) and in control databases in 8 of 282560 chromosomes at a frequency of 0.00002831 (Genome Aggregation Database March 6, 2019, v2.1.1). The variant was observed in the following populations: East Asian in 1 of 19948 chromosomes (freq: 0.00005), European (non-Finnish) in 6 of 128972 chromosomes (freq: 0.000047) and African in 1 of 24948 chromosomes (freq: 0.00004), but was not observed in the Latino, Ashkenazi Jewish, European (Finnish), Other, or South Asian populations. The p.Arg338 residue is conserved in mammals but not in more distantly related organisms, and computational analyses (PolyPhen-2, SIFT, AlignGVGD, BLOSUM, MutationTaster) suggest that the variant may impact the protein; however, this information is not predictive enough to assume pathogenicity. The variant occurs outside of the splicing consensus sequence and in silico or computational prediction software programs (SpliceSiteFinder, MaxEntScan, NNSPLICE, GeneSplicer) do not predict a difference in splicing. In summary, based on the above information the clinical significance of this variant cannot be determined with certainty at this time. This variant is classified as a variant of uncertain significance.

NM_001032386.2(SUOX):c.1012C>T (p.Arg338Trp)

Gene: SUOX (sulfite oxidase; plus strand). Cytogenetic location: 12q13.2.
Variant type: single nucleotide variant.
Coding change: c.1012C>T on transcript NM_001032386.2 (MANE Select); coding-DNA position 1012, C replaced by T.
Protein change: p.Arg338Trp; replaces arginine 338 with tryptophan.
Molecular consequence: missense variant.
Genome position (GRCh38, 1-based): chr12:56,004,401, C>T. VCF-style: chr12-56004401-C-T. GRCh37 (hg19) VCF-style: chr12-56398185-C-T.
Other names: c.1012C>T, p.Arg338Trp (NM_000456.3, NM_001032387.2); c.1012C>T (NM_000456.2); short protein forms R338W.
Identifiers: ClinVar variation 1043488 (VCV001043488.9), dbSNP rs766441734, ClinGen allele CA6621079.